The following is an entry in ClinVar:

ClinVar aggregate classification (germline): Likely pathogenic (1 of 4 stars; one submission).

Conditions:
Retinitis pigmentosa 66 (RP66). Identifiers: Orphanet 791, MedGen C3715216, MONDO:0014093, OMIM 615233.

Submission:

Variantyx, Inc.
Classification: Likely pathogenic for Retinitis pigmentosa 66. Last evaluated: 2025-05-27. Review status: criteria provided, single submitter. Criteria: Variantyx Assertion Criteria 2022. Collection method: clinical testing. Allele origin: germline. Inheritance: Autosomal recessive inheritance. Affected: no.
Comment: This is a frameshift variant in the RBP3 gene (OMIM: 180290). Pathogenic variants in this gene have been associated with autosomal recessive retinitis pigmentosa 66 (provisional association). This variant introduces a premature termination codon in exon 1 out of 4 and is expected to result in loss of function, which is a known disease mechanism for RBP3 in this disorder (PMID: 23105016, 25766589) (PVS1). This variant is absent from control populations (PM2) and it has not been reported in individuals with RBP3-related disorders in the databases available for review. Based on the current evidence, this variant is classified as likely pathogenic for autosomal recessive retinitis pigmentosa 66 (provisional association).

Literature cited by the submitters: PubMed 23105016; PubMed 25766589.

NM_002900.3(RBP3):c.728del (p.Ala243fs)

Gene: RBP3 (retinol binding protein 3; plus strand). Cytogenetic location: 10q11.22.
Variant type: Deletion.
Coding change: c.728del on transcript NM_002900.3 (MANE Select); coding-DNA position 728, one base deleted (C; older notation c.728delC).
Protein change: p.Ala243fs; shifts the reading frame from alanine 243.
Molecular consequence: frameshift variant.
Genome position (GRCh38, 1-based): chr10:47,349,212, C deleted. VCF-style (leftmost placement, unchanged base first): chr10-47349211-GC-G. GRCh37 (hg19) VCF-style: chr10-48390149-CG-C.
Other names: short protein forms A243fs.
Identifiers: ClinVar variation 4813801 (VCV004813801.1).
Genomic context (GRCh38, chr10:47,349,211, plus strand): 5'-GCCGACAAGGATGTGGTGGTCCTCACCAGCAGCCAGACCAGGGGCGTGGCCGAGGACATC[GC>G]GCACATCCTTAAGCAGATGCGCAGGGCCATCGTGGTGGGCGAGCGGACTGGGGGAGGGGC-3'